The following is an entry in ClinVar:

ClinVar aggregate classification (germline): Uncertain significance (1 of 4 stars; one submission).

Conditions:
BBS4-related disorder. Also called: BBS4-related condition.

gnomAD v4.1: 2 of 1,613,808 alleles (0.00012%); highest among the groups gnomAD compares: African/African-American, 0.0013%; no homozygotes.

Submission:

PreventionGenetics, part of Exact Sciences
Classification: Uncertain significance for BBS4-related condition. Last evaluated: 2026-03-26. Review status: criteria provided, single submitter. Criteria: ACMG Guidelines, 2015. Collection method: clinical testing. Allele origin: germline.
Comment: The BBS4 c.1058A>G variant is predicted to result in the amino acid substitution p.Asp353Gly. To our knowledge, this variant has not been reported in the literature. This variant is reported in 0.00088% of alleles in individuals of European (Non-Finnish) descent in gnomAD. At this time, the clinical significance of this variant is uncertain due to the absence of conclusive functional and genetic evidence.

NM_033028.5(BBS4):c.1058A>G (p.Asp353Gly)

Gene: BBS4 (Bardet-Biedl syndrome 4; plus strand). Cytogenetic location: 15q24.1.
Variant type: single nucleotide variant.
Coding change: c.1058A>G on transcript NM_033028.5 (MANE Select); coding-DNA position 1058, A replaced by G.
Protein change: p.Asp353Gly; replaces aspartic acid 353 with glycine.
Molecular consequence: missense variant. On other transcripts: non-coding transcript variant (2).
Genome position (GRCh38, 1-based): chr15:72,735,134, A>G. VCF-style: chr15-72735134-A-G. GRCh37 (hg19) VCF-style: chr15-73027475-A-G.
Other names: c.542A>G, p.Asp181Gly (NM_001252678.2); c.989A>G, p.Asp330Gly (NM_001320665.2); short protein forms D181G, D330G, D353G.
Identifiers: ClinVar variation 4990715 (VCV004990715.1).